The following is an entry in ClinVar:

ClinVar aggregate classification (germline): Likely benign. Review status: criteria provided, single submitter (1 of 4 stars). 4 submissions from 4 submitters: Likely benign (1). 3 of the submissions do not count toward it.

Conditions:
SHROOM3-related disorder. Also called: SHROOM3-related condition.

Allele frequency attached by ClinVar (database versions not stated): 1000 Genomes Project 0.00399; 1000 Genomes Project 30x 0.00422; ESP Exome Variant Server 0.00530; gnomAD 0.00638 and 0.00691; gnomAD exomes 0.00655; TOPMed 0.00704; ExAC 0.01076.
gnomAD v4.1: 12,529 of 1,606,956 alleles (0.78%); highest among the groups gnomAD compares: Middle Eastern, 1.8%; 69 homozygotes.

Submissions (4):

Breakthrough Genomics
Classification: Likely benign. Review status: criteria provided, single submitter. Criteria: ACMG Guidelines, 2015. Collection method: not provided. Allele origin: germline. Inheritance: Unknown mechanism. Affected: yes.

PreventionGenetics, part of Exact Sciences
Classification: Likely benign for SHROOM3-related condition. Last evaluated: 2020-02-19. Review status: no assertion criteria provided. Collection method: clinical testing. Allele origin: germline. Not counted in ClinVar's aggregate classification.
Comment: This variant is classified as likely benign based on ACMG/AMP sequence variant interpretation guidelines (Richards et al. 2015 PMID: 25741868, with internal and published modifications).

Joint Genome Diagnostic Labs from Nijmegen and Maastricht, Radboudumc and MUMC+
Classification: Likely benign. Review status: no assertion criteria provided. Collection method: clinical testing. Allele origin: germline. Affected: yes. Study: VKGL Data-share Consensus. Not counted in ClinVar's aggregate classification.

Laboratory of Diagnostic Genome Analysis, Leiden University Medical Center (LUMC)
Classification: Likely benign. Review status: no assertion criteria provided. Collection method: clinical testing. Allele origin: germline. Affected: yes. Study: VKGL Data-share Consensus. Not counted in ClinVar's aggregate classification.

NM_020859.4(SHROOM3):c.3035C>A (p.Thr1012Asn)

Genes: SHROOM3 (shroom family member 3; plus strand), SHROOM3-AS1 (SHROOM3 antisense RNA 1; minus strand). Cytogenetic location: 4q21.1.
Variant type: single nucleotide variant.
Coding change: c.3035C>A on transcript NM_020859.4 (MANE Select); coding-DNA position 3035, C replaced by A.
Protein change: p.Thr1012Asn; replaces threonine 1012 with asparagine.
Molecular consequence: missense variant.
Genome position (GRCh38, 1-based): chr4:76,741,208, C>A. VCF-style: chr4-76741208-C-A. GRCh37 (hg19) VCF-style: chr4-77662361-C-A.
Other names: c.3035C>A (NM_020859.3); short protein forms T1012N.
Identifiers: ClinVar variation 1205888 (VCV001205888.6), dbSNP rs147732653, ClinGen allele CA2972694.
Genomic context (GRCh38, chr4:76,741,208, plus strand): 5'-AGGGCGACCTGGCCAGGCCCGTGCCCCCTGCCGCCCGGAGAGGTGCTCGCCGGCGCCTGA[C>A]TCCCGAGCAGAAGAAGCGCTCCTACTCGGAGCCCGAGAAGATGAACGAGGTGGGGATCGT-3'
Protein context (NP_065910.3, residues 1002-1022): AARRGARRRL[Thr1012Asn]PEQKKRSYSE